The following is an entry in ClinVar:

NM_021619.3(PRDM12):c.168C>T (p.His56=)

Gene: PRDM12 (PR/SET domain 12; plus strand). Cytogenetic location: 9q34.12.
Variant type: single nucleotide variant.
Coding change: c.168C>T on transcript NM_021619.3 (MANE Select); coding-DNA position 168, C replaced by T.
Protein change: p.His56=; no amino-acid change (histidine 56 retained).
Molecular consequence: synonymous variant.
Genome position (GRCh38, 1-based): chr9:130,664,821, C>T. VCF-style: chr9-130664821-C-T. GRCh37 (hg19) VCF-style: chr9-133540208-C-T.
Identifiers: ClinVar variation 2715630 (VCV002715630.4), dbSNP rs535243219, ClinGen allele CA200648749.
Genomic context (GRCh38, chr9:130,664,821, plus strand): 5'-CCTGTACGGCCGCTGGCGCAACGTGCTCGGGGAGCAGCTCTTCGAGGACAAGAGCCACCA[C>T]GCCAGCCCCAAGACAGCCTTCACCGCCGAGGTGCTGGCGCAGTCCTTCTCCGGCGGTGAG-3'
Protein context (NP_067632.2, residues 46-66): GEQLFEDKSH[His56=]ASPKTAFTAE

ClinVar aggregate classification (germline): Likely benign. Review status: criteria provided, multiple submitters, no conflicts (2 of 4 stars). 2 submissions from 2 submitters: Likely benign (2). Last evaluated 2026-09-01.

Conditions:
Congenital insensitivity to pain-hypohidrosis syndrome. Also called: HSAN VIII; Neuropathy, hereditary sensory and autonomic, type VIII. Identifiers: Orphanet 478664, MedGen C4225308, MONDO:0014662, OMIM 616488.

Allele frequency attached by ClinVar (database versions not stated): TOPMed below 0.00001; gnomAD 0.00001; gnomAD exomes 0.00001; 1000 Genomes Project 30x 0.00016; 1000 Genomes Project 0.00020.

Submissions (2):

CeGaT Center for Human Genetics Tuebingen
Classification: Likely benign. Last evaluated: 2026-09-01. Review status: criteria provided, single submitter. Criteria: CeGaT Center For Human Genetics Tuebingen Variant Classification Criteria Version 2. Collection method: clinical testing. Allele origin: germline. Affected: yes. Observed: 1 variant allele.
Comment: PRDM12: BP4, BP7

Labcorp Genetics (formerly Invitae), Labcorp
Classification: Likely benign for Congenital insensitivity to pain-hypohidrosis syndrome. Last evaluated: 2023-08-20. Review status: criteria provided, single submitter. Criteria: Invitae Variant Classification Sherloc (09022015). Collection method: clinical testing. Allele origin: germline.